The following is an entry in ClinVar:

ClinVar aggregate classification (germline): Conflicting classifications of pathogenicity. Review status: criteria provided, conflicting classifications (1 of 4 stars). 7 submissions from 7 submitters: Uncertain significance (6); Benign (1). Last evaluated 2025-10-13.

Conditions:
Inborn genetic diseases. Identifiers: MedGen C0950123, MeSH D030342.
Cerebral arteriopathy, autosomal dominant, with subcortical infarcts and leukoencephalopathy, type 1 (CADASIL1). Also called: Cerebral arteriopathy with subcortical infarcts and leukoencephalopathy 1; DEMENTIA, HEREDITARY MULTIINFARCT TYPE; CADASIL 1; CASIL. Identifiers: Orphanet 136, MedGen C4551768, MONDO:0000914, OMIM 125310.

Allele frequency attached by ClinVar (database versions not stated): gnomAD 0.00006 and 0.00007; gnomAD exomes 0.00007 and 0.00010; ESP Exome Variant Server 0.00008; TOPMed 0.00008; ExAC 0.00011; 1000 Genomes Project 0.00040; 1000 Genomes Project 30x 0.00047.

Submissions (7):

Labcorp Genetics (formerly Invitae), Labcorp
Classification: Uncertain significance. Last evaluated: 2025-10-13. Review status: criteria provided, single submitter. Criteria: Invitae Variant Classification Sherloc (09022015). Collection method: clinical testing. Allele origin: germline.
Comment: This sequence change replaces arginine, which is basic and polar, with tryptophan, which is neutral and slightly polar, at codon 163 of the NOTCH3 protein (p.Arg163Trp). This variant is present in population databases (rs367707092, gnomAD 0.02%). This variant has not been reported in the literature in individuals affected with NOTCH3-related conditions. ClinVar contains an entry for this variant (Variation ID: 447852). Invitae Evidence Modeling of protein sequence and biophysical properties (such as structural, functional, and spatial information, amino acid conservation, physicochemical variation, residue mobility, and thermodynamic stability) has been performed for this missense variant. However, the output from this modeling did not meet the statistical confidence thresholds required to predict the impact of this variant on NOTCH3 protein function. In summary, the available evidence is currently insufficient to determine the role of this variant in disease. Therefore, it has been classified as a Variant of Uncertain Significance.

Genomic Medicine Center of Excellence, King Faisal Specialist Hospital and Research Centre
Classification: Uncertain significance for Cerebral arteriopathy, autosomal dominant, with subcortical infarcts and leukoencephalopathy, type 1. Last evaluated: 2024-09-22. Review status: criteria provided, single submitter. Criteria: ACMG Guidelines, 2015. Collection method: clinical testing. Allele origin: germline.

GeneDx
Classification: Uncertain significance. Last evaluated: 2023-09-01. Review status: criteria provided, single submitter. Criteria: GeneDx Variant Classification Process June 2021. Collection method: clinical testing. Allele origin: germline. Affected: yes.
Comment: In silico analysis supports that this missense variant has a deleterious effect on protein structure/function; Has not been previously published as pathogenic or benign to our knowledge

Ambry Genetics
Classification: Uncertain significance for Inborn genetic diseases. Last evaluated: 2021-08-12. Review status: criteria provided, single submitter. Criteria: Ambry Variant Classification Scheme 2023. Collection method: clinical testing. Allele origin: germline.

Athena Diagnostics
Classification: Benign. Last evaluated: 2021-02-26. Review status: criteria provided, single submitter. Criteria: Athena Diagnostics criteria. Collection method: clinical testing. Allele origin: unknown.

Genetics and Molecular Pathology, SA Pathology
Classification: Uncertain significance for Cerebral arteriopathy, autosomal dominant, with subcortical infarcts and leukoencephalopathy, type 1. Last evaluated: 2020-06-12. Review status: criteria provided, single submitter. Criteria: ACMG Guidelines, 2015. Collection method: clinical testing. Allele origin: germline. Inheritance: Autosomal dominant inheritance. Affected: yes.
Comment: PM1, PP3

CeGaT Center for Human Genetics Tuebingen
Classification: Uncertain significance. Last evaluated: 2020-02-01. Review status: criteria provided, single submitter. Criteria: CeGaT Center For Human Genetics Tuebingen Variant Classification Criteria Version 2. Collection method: clinical testing. Allele origin: germline. Affected: yes. Observed: 1 variant allele.

NM_000435.3(NOTCH3):c.487C>T (p.Arg163Trp)

Gene: NOTCH3 (notch receptor 3; minus strand). Cytogenetic location: 19p13.12.
Variant type: single nucleotide variant.
Coding change: c.487C>T on transcript NM_000435.3 (MANE Select); coding-DNA position 487, C replaced by T.
Protein change: p.Arg163Trp; replaces arginine 163 with tryptophan.
Molecular consequence: missense variant.
Genome position (GRCh38, 1-based): chr19:15,192,152, G>A on the plus strand (C>T on the coding strand, the complement: NOTCH3 is on the minus strand). VCF-style: chr19-15192152-G-A. GRCh37 (hg19) VCF-style: chr19-15302963-G-A.
Other names: short protein forms R163W.
Identifiers: ClinVar variation 447852 (VCV000447852.52), dbSNP rs367707092, ClinGen allele CA9263873.